The following is an entry in ClinVar:

ClinVar aggregate classification (germline): Uncertain significance. Review status: criteria provided, multiple submitters, no conflicts (2 of 4 stars). 2 submissions from 2 submitters: Uncertain significance (2). Last evaluated 2025-09-30.

Conditions:
Inborn genetic diseases. Identifiers: MedGen C0950123, MeSH D030342.
Brachyolmia-amelogenesis imperfecta syndrome. Also called: PLATYSPONDYLY WITH AMELOGENESIS IMPERFECTA; Tooth agenesis, selective, 6; Dental anomalies and short stature. Identifiers: Orphanet 2899, MedGen C1832594, MONDO:0011018, OMIM 601216. Disease mechanism: loss of function.

Allele frequency attached by ClinVar (database versions not stated): gnomAD 0.00006 and 0.00009; gnomAD exomes 0.00009 and 0.00024; TOPMed 0.00009; 1000 Genomes Project 30x 0.00016; ExAC 0.00060.

Submissions (2):

Labcorp Genetics (formerly Invitae), Labcorp
Classification: Uncertain significance for Brachyolmia-amelogenesis imperfecta syndrome. Last evaluated: 2025-09-30. Review status: criteria provided, single submitter. Criteria: Invitae Variant Classification Sherloc (09022015). Collection method: clinical testing. Allele origin: germline.
Comment: This sequence change replaces valine, which is neutral and non-polar, with methionine, which is neutral and non-polar, at codon 1229 of the LTBP3 protein (p.Val1229Met). This variant is present in population databases (rs755974556, gnomAD 0.1%). This variant has not been reported in the literature in individuals affected with LTBP3-related conditions. ClinVar contains an entry for this variant (Variation ID: 659580). An algorithm developed to predict the effect of missense changes on protein structure and function outputs the following: PolyPhen-2: "Benign". The methionine amino acid residue is found in multiple mammalian species, which suggests that this missense change does not adversely affect protein function. In summary, the available evidence is currently insufficient to determine the role of this variant in disease. Therefore, it has been classified as a Variant of Uncertain Significance.

Ambry Genetics
Classification: Uncertain significance for Inborn genetic diseases. Last evaluated: 2023-03-02. Review status: criteria provided, single submitter. Criteria: Ambry Variant Classification Scheme 2023. Collection method: clinical testing. Allele origin: germline.

NM_001130144.3(LTBP3):c.3685G>A (p.Val1229Met)

Gene: LTBP3 (latent transforming growth factor beta binding protein 3; minus strand). Cytogenetic location: 11q13.1.
Variant type: single nucleotide variant.
Coding change: c.3685G>A on transcript NM_001130144.3 (MANE Select); coding-DNA position 3685, G replaced by A.
Protein change: p.Val1229Met; replaces valine 1229 with methionine.
Molecular consequence: missense variant.
Genome position (GRCh38, 1-based): chr11:65,539,403, C>T on the plus strand (G>A on the coding strand, the complement: LTBP3 is on the minus strand). VCF-style: chr11-65539403-C-T. GRCh37 (hg19) VCF-style: chr11-65306874-C-T.
Other names: c.3193G>A, p.Val1065Met (NM_001164266.1); c.3544G>A, p.Val1182Met (NM_021070.4); short protein forms V1065M, V1182M, V1229M.
Identifiers: ClinVar variation 659580 (VCV000659580.13), dbSNP rs755974556, ClinGen allele CA6100200.